The following is an entry in ClinVar:

ClinVar aggregate classification (germline): Pathogenic. Review status: criteria provided, multiple submitters, no conflicts (2 of 4 stars). 3 submissions from 3 submitters: Pathogenic (2). 1 of the submissions does not count toward it. Last evaluated 2017-11-10.

Conditions:
Duchenne muscular dystrophy (DMD). Also called: MUSCULAR DYSTROPHY, PSEUDOHYPERTROPHIC PROGRESSIVE, DUCHENNE TYPE; Duchenne Muscular Dystrophy (DMD). Identifiers: Orphanet 98896, MedGen C0013264, MONDO:0010679, OMIM 310200.
Cardiovascular phenotype. Identifiers: MedGen CN230736.

Submissions (3):

Ambry Genetics
Classification: Pathogenic for Cardiovascular phenotype. Last evaluated: 2017-11-10. Review status: criteria provided, single submitter. Criteria: Ambry Variant Classification Scheme 2023. Collection method: clinical testing. Allele origin: germline.
Comment: The p.Q2182* pathogenic mutation (also known as c.6544C>T), located in coding exon 45 of the DMD gene, results from a C to T substitution at nucleotide position 6544. This changes the amino acid from a glutamine to a stop codon within coding exon 45. This alteration has been reported in Duchenne muscular dystrophy (DMD) study cohorts (Prior TW et al. J Mol Diagn, 2005 Aug;7:317-26; Flanigan KM et al. Hum. Mutat., 2009 Dec;30:1657-66). In addition to the clinical data presented in the literature, this alteration is expected to result in loss of function by premature protein truncation or nonsense-mediated mRNA decay. As such, this alteration is interpreted as a disease-causing mutation.

Eurofins Ntd Llc (ga)
Classification: Pathogenic. Last evaluated: 2016-12-27. Review status: criteria provided, single submitter. Criteria: EGL Classification Definitions 2015. Collection method: clinical testing. Allele origin: germline. Observed: 1 variant allele, 1 heterozygote.

Institute of Human Genetics, University of Wuerzburg
Classification: Pathogenic for Duchenne muscular dystrophy. Review status: no assertion criteria provided. Collection method: clinical testing. Allele origin: unknown. Affected: yes. Observed: 1 variant allele. Not counted in ClinVar's aggregate classification.

Literature cited by the submitters: PubMed 16049303 (cited by Ambry Genetics); PubMed 19937601 (cited by Ambry Genetics); PubMed 8364587 (cited by Eurofins Ntd Llc (ga)).

NM_004006.3(DMD):c.6544C>T (p.Gln2182Ter)

Gene: DMD (dystrophin; minus strand). Cytogenetic location: Xp21.1.
Variant type: single nucleotide variant.
Coding change: c.6544C>T on transcript NM_004006.3 (MANE Select); coding-DNA position 6544, C replaced by T.
Protein change: p.Gln2182Ter; replaces glutamine 2182 with a stop codon.
Molecular consequence: nonsense. On other transcripts: 5 prime UTR variant (5).
Genome position (GRCh38, 1-based): chrX:31,968,409, G>A on the plus strand (C>T on the coding strand, the complement: DMD is on the minus strand). VCF-style: chrX-31968409-G-A. GRCh37 (hg19) VCF-style: chrX-31986526-G-A.
Other names: c.6520C>T, p.Gln2174Ter (NM_000109.4); c.6532C>T, p.Gln2178Ter (NM_004009.3); c.6175C>T, p.Gln2059Ter (NM_004010.3); c.2521C>T, p.Gln841Ter (NM_004011.4); c.2512C>T, p.Gln838Ter (NM_004012.4); c.-837C>T (NM_004013.3, NM_004020.4, NM_004021.3 and 2 more transcripts); short protein forms Q2182*, Q838*, Q841*, Q2174*, Q2059*, Q2178*.
Identifiers: ClinVar variation 498985 (VCV000498985.10), dbSNP rs1557038061, ClinGen allele CA412659615.